The following is an entry in ClinVar:

NM_001374736.1(DST):c.4736A>G (p.Gln1579Arg)

Gene: DST (dystonin; minus strand). Cytogenetic location: 6p12.1.
Variant type: single nucleotide variant.
Coding change: c.4736A>G on transcript NM_001374736.1 (MANE Select); coding-DNA position 4736, A replaced by G.
Protein change: p.Gln1579Arg; replaces glutamine 1579 with arginine.
Molecular consequence: missense variant.
Genome position (GRCh38, 1-based): chr6:56,625,251, T>C on the plus strand (A>G on the coding strand, the complement: DST is on the minus strand). VCF-style: chr6-56625251-T-C. GRCh37 (hg19) VCF-style: chr6-56490049-T-C.
Other names: c.4637A>G, p.Gln1546Arg (NM_001144769.5); c.4223A>G, p.Gln1408Arg (NM_001144770.2); c.4736A>G, p.Gln1579Arg (NM_001374722.1); c.4103A>G, p.Gln1368Arg (NM_001374729.1, NM_001374730.1, NM_001386100.1 and 1 more transcripts); c.4763A>G, p.Gln1588Arg (NM_001374734.1); c.3125A>G, p.Gln1042Arg (NM_001723.7, NM_015548.5); short protein forms Q1042R, Q1546R, Q1368R, Q1408R, Q1579R, Q1588R.
Identifiers: ClinVar variation 1982409 (VCV001982409.4), dbSNP rs773629086, ClinGen allele CA3870813.

ClinVar aggregate classification (germline): Uncertain significance (1 of 4 stars; one submission).

Conditions:
Hereditary sensory and autonomic neuropathy type 6. Also called: Neuropathy, hereditary sensory and autonomic, type VI; HSAN VI. Identifiers: Orphanet 314381, MedGen C3539003, MONDO:0013839, OMIM 614653.
Epidermolysis bullosa simplex 3, localized or generalized intermediate, with BP230 deficiency (EBS3). Also called: Epidermolysis bullosa simplex due to BP230 deficiency; Epidermolysis bullosa simplex, autosomal recessive 2. Identifiers: Orphanet 412181, MedGen C3809470, MONDO:0014180, OMIM 615425.

Allele frequency attached by ClinVar (database versions not stated): gnomAD exomes 0.00001; ExAC 0.00006.
gnomAD v4.1: 15 of 1,611,678 alleles (0.00093%); highest among the groups gnomAD compares: South Asian, 0.015%; no homozygotes.

Submission:

Labcorp Genetics (formerly Invitae), Labcorp
Classification: Uncertain significance for Epidermolysis bullosa simplex 3, localized or generalized intermediate, with BP230 deficiency; Hereditary sensory and autonomic neuropathy type 6. Last evaluated: 2022-03-13. Review status: criteria provided, single submitter. Criteria: Invitae Variant Classification Sherloc (09022015). Collection method: clinical testing. Allele origin: germline.
Comment: In summary, the available evidence is currently insufficient to determine the role of this variant in disease. Therefore, it has been classified as a Variant of Uncertain Significance. Algorithms developed to predict the effect of missense changes on protein structure and function (SIFT, PolyPhen-2, Align-GVGD) all suggest that this variant is likely to be disruptive. This sequence change replaces glutamine, which is neutral and polar, with arginine, which is basic and polar, at codon 1042 of the DST protein (p.Gln1042Arg). This variant is present in population databases (rs773629086, gnomAD 0.02%). This variant has not been reported in the literature in individuals affected with DST-related conditions.